The following is an entry in ClinVar:

NM_002878.4(RAD51D):c.593G>T (p.Gly198Val)

Genes: RAD51L3-RFFL (RAD51L3-RFFL readthrough; minus strand), RAD51D (RAD51 paralog D; minus strand). Cytogenetic location: 17q12.
Variant type: single nucleotide variant.
Coding change: c.593G>T on transcript NM_002878.4 (MANE Select); coding-DNA position 593, G replaced by T.
Protein change: p.Gly198Val; replaces glycine 198 with valine.
Molecular consequence: missense variant. On other transcripts: non-coding transcript variant (3).
Genome position (GRCh38, 1-based): chr17:35,103,528, C>A on the plus strand (G>T on the coding strand, the complement: RAD51D is on the minus strand). VCF-style: chr17-35103528-C-A. GRCh37 (hg19) VCF-style: chr17-33430547-C-A.
Other names: c.653G>T, p.Gly218Val (NM_001142571.2); c.257G>T, p.Gly86Val (NM_133629.3); short protein forms G198V, G218V, G86V.
Identifiers: ClinVar variation 186491 (VCV000186491.5), dbSNP rs786202993, ClinGen allele CA194983.
Genomic context (GRCh38, chr17:35,103,528, plus strand): 5'-CCTCCCAGAAGTGGGGAAACCACCGCAGTGACCGAGTCCACAACCACCACCTTCACAGTT[C>A]CTGAAGAACCAGTCACCTGAAGGAATGTGGGGGAAGCACTCATGAACCTGTCAGCCTCTA-3'
Protein context (NP_002869.3, residues 188-208): TVAQQVTGSS[Gly198Val]TVKVVVVDSV

ClinVar aggregate classification (germline): Uncertain significance (1 of 4 stars; one submission).

Conditions:
Hereditary cancer-predisposing syndrome. Also called: Neoplastic Syndromes, Hereditary; Tumor predisposition; Hereditary Cancer Syndrome; Hereditary neoplastic syndrome. Identifiers: Orphanet 140162, MedGen C0027672, MeSH D009386, MONDO:0015356.

Submission:

Ambry Genetics
Classification: Uncertain significance for Hereditary cancer-predisposing syndrome. Last evaluated: 2014-10-09. Review status: criteria provided, single submitter. Criteria: Ambry Variant Classification Scheme 2023. Collection method: clinical testing. Allele origin: germline.
Comment: The p.G198V variant (also known as c.593G>T), located in coding exon 7 of the RAD51D gene, results from a G to T substitution at nucleotide position 593. The glycine at codon 198 is replaced by valine, an amino acid with dissimilar properties. This variant was not reported in population based cohorts in the following databases: Database of Single Nucleotide Polymorphisms (dbSNP), NHLBI Exome Sequencing Project (ESP), and 1000 Genomes Project. In the ESP, this variant was not observed in 6503 samples (13006 alleles) with coverage at this position. To date, this alteration has been detected with an allele frequency of approximately 0.01% (greater than 11000 alleles tested) in our clinical cohort. This amino acid position is highly conserved in available vertebrate species. In addition, this alteration is predicted to be possibly damaging and deleterious by PolyPhen and SIFT in silico analyses, respectively. Since supporting evidence is limited at this time, the clinical significance of p.G198V remains unclear.